The following is an entry in ClinVar:

NM_001267550.2(TTN):c.88187T>C (p.Ile29396Thr)

Genes: TTN (titin; minus strand), TTN-AS1 (TTN antisense RNA 1; plus strand). Cytogenetic location: 2q31.2.
Variant type: single nucleotide variant.
Coding change: c.88187T>C on transcript NM_001267550.2 (MANE Select); coding-DNA position 88187, T replaced by C.
Protein change: p.Ile29396Thr; replaces isoleucine 29396 with threonine.
Molecular consequence: missense variant.
Genome position (GRCh38, 1-based): chr2:178,556,967, A>G on the plus strand (T>C on the coding strand, the complement: TTN is on the minus strand). VCF-style: chr2-178556967-A-G. GRCh37 (hg19) VCF-style: chr2-179421694-A-G.
Other names: p.I27755T:ATC>ACC; c.83264T>C, p.Ile27755Thr (NM_001256850.1); c.60992T>C, p.Ile20331Thr (NM_003319.4); c.80483T>C, p.Ile26828Thr (NM_133378.4); c.61367T>C, p.Ile20456Thr (NM_133432.3); c.61568T>C, p.Ile20523Thr (NM_133437.4); short protein forms I29396T, I26828T, I27755T, I20523T, I20456T, I20331T.
Identifiers: ClinVar variation 47475 (VCV000047475.38), dbSNP rs9808377, ClinGen allele CA283985.

ClinVar aggregate classification (germline): Benign/Likely benign. Review status: criteria provided, multiple submitters, no conflicts (2 of 4 stars). 24 submissions from 17 submitters: Benign (19); Likely benign (3). 2 of the submissions do not count toward it. Last evaluated 2026-02-04.

Conditions:
Dilated cardiomyopathy 1G (CMD1G). Identifiers: Orphanet 154, MedGen C1858763, MONDO:0011400, OMIM 604145.
Autosomal recessive limb-girdle muscular dystrophy type 2J (LGMDR10). Also called: MUSCULAR DYSTROPHY, LIMB-GIRDLE, AUTOSOMAL RECESSIVE 10; Limb-girdle muscular dystrophy, type 2J. Identifiers: Orphanet 140922, MedGen C1837342, MONDO:0012127, OMIM 608807.
Cardiovascular phenotype. Identifiers: MedGen CN230736.
Early-onset myopathy with fatal cardiomyopathy (CMYO5). Also called: CONGENITAL MYOPATHY 5 WITH CARDIOMYOPATHY; Salih Myopathy. Identifiers: Orphanet 289377, MedGen C2673677, MONDO:0012714, OMIM 611705. Disease mechanism: loss of function.
Myopathy, myofibrillar, 9, with early respiratory failure (MFM9). Also called: Myopathy, distal, with early respiratory failure, autosomal dominant; Hereditary myopathy with early respiratory failure; MYOPATHY, PROXIMAL, WITH EARLY RESPIRATORY MUSCLE INVOLVEMENT; EDSTROM MYOPATHY. Identifiers: Orphanet 178464, Orphanet 34521, MedGen C1863599, MONDO:0011362, OMIM 603689.
Tibial muscular dystrophy (TMD). Also called: Udd Distal Myopathy – Tibial Muscular Dystrophy; Tibial muscular dystrophy, tardive; UDD MYOPATHY. Identifiers: Orphanet 609, MedGen C1838244, MONDO:0010870, OMIM 600334.

Allele frequency attached by ClinVar (database versions not stated): ESP Exome Variant Server 0.31828; gnomAD exomes 0.35070 and 0.26492; 1000 Genomes Project 0.50719; gnomAD 0.35993 and 0.35383; TOPMed 0.37462; ExAC 0.35060; 1000 Genomes Project 30x 0.50156.
gnomAD v4.1: 444,194 of 1,613,436 alleles (28%); highest among the groups gnomAD compares: East Asian, 69%; 73,989 homozygotes.

Submissions (24):

Labcorp Genetics (formerly Invitae), Labcorp
Classification: Benign for Dilated cardiomyopathy 1G; Autosomal recessive limb-girdle muscular dystrophy type 2J. Last evaluated: 2026-02-04. Review status: criteria provided, single submitter. Criteria: Invitae Variant Classification Sherloc (09022015). Collection method: clinical testing. Allele origin: germline.

Molecular Diagnostic Laboratory for Inherited Cardiovascular Disease, Montreal Heart Institute
Classification: Likely benign. Last evaluated: 2025-04-09. Review status: criteria provided, single submitter. Criteria: ACMG Guidelines, 2015. Collection method: clinical testing. Allele origin: germline. Affected: no.

Genome-Nilou Lab
Classification: Benign for Autosomal recessive limb-girdle muscular dystrophy type 2J. Last evaluated: 2021-09-10. Review status: criteria provided, single submitter. Criteria: ACMG Guidelines, 2015. Collection method: clinical testing. Allele origin: germline. Affected: no.

Genome-Nilou Lab
Classification: Benign for Myopathy, myofibrillar, 9, with early respiratory failure. Last evaluated: 2021-09-10. Review status: criteria provided, single submitter. Criteria: ACMG Guidelines, 2015. Collection method: clinical testing. Allele origin: germline. Affected: no.

Genome-Nilou Lab
Classification: Benign for Early-onset myopathy with fatal cardiomyopathy. Last evaluated: 2021-09-10. Review status: criteria provided, single submitter. Criteria: ACMG Guidelines, 2015. Collection method: clinical testing. Allele origin: germline. Affected: no.

Genome-Nilou Lab
Classification: Benign for Tibial muscular dystrophy. Last evaluated: 2021-09-10. Review status: criteria provided, single submitter. Criteria: ACMG Guidelines, 2015. Collection method: clinical testing. Allele origin: germline. Affected: no.

Women's Health and Genetics/Laboratory Corporation of America, LabCorp
Classification: Likely benign. Last evaluated: 2020-08-18. Review status: criteria provided, single submitter. Criteria: LabCorp Variant Classification Summary - May 2015. Collection method: clinical testing. Allele origin: germline.

Athena Diagnostics
Classification: Benign. Last evaluated: 2018-11-02. Review status: criteria provided, single submitter. Criteria: Athena Diagnostics Criteria. Collection method: clinical testing. Allele origin: germline.

Illumina Laboratory Services, Illumina
Classification: Benign for Autosomal recessive limb-girdle muscular dystrophy type 2J. Last evaluated: 2018-01-13. Review status: criteria provided, single submitter. Criteria: ICSL Variant Classification Criteria 13 December 2019. Collection method: clinical testing. Allele origin: germline.
Comment: This variant was observed in the ICSL laboratory as part of a predisposition screen in an ostensibly healthy population. It had not been previously curated by ICSL or reported in the Human Gene Mutation Database (HGMD: prior to June 1st, 2018), and was therefore a candidate for classification through an automated scoring system. Utilizing variant allele frequency, disease prevalence and penetrance estimates, and inheritance mode, an automated score was calculated to assess if this variant is too frequent to cause the disease. Based on the score and internal cut-off values, a variant classified as benign is not then subjected to further curation. The score for this variant resulted in a classification of benign for this disease.

Illumina Laboratory Services, Illumina
Classification: Benign for Myopathy, myofibrillar, 9, with early respiratory failure. Last evaluated: 2018-01-13. Review status: criteria provided, single submitter. Criteria: ICSL Variant Classification Criteria 13 December 2019. Collection method: clinical testing. Allele origin: germline.
Comment: the same text as in the submission from Illumina Laboratory Services, Illumina above.

Illumina Laboratory Services, Illumina
Classification: Benign for Early-onset myopathy with fatal cardiomyopathy. Last evaluated: 2018-01-13. Review status: criteria provided, single submitter. Criteria: ICSL Variant Classification Criteria 13 December 2019. Collection method: clinical testing. Allele origin: germline.
Comment: the same text as in the submission from Illumina Laboratory Services, Illumina above.

Illumina Laboratory Services, Illumina
Classification: Benign for Tibial muscular dystrophy. Last evaluated: 2018-01-13. Review status: criteria provided, single submitter. Criteria: ICSL Variant Classification Criteria 13 December 2019. Collection method: clinical testing. Allele origin: germline.
Comment: the same text as in the submission from Illumina Laboratory Services, Illumina above.

Illumina Laboratory Services, Illumina
Classification: Benign for Dilated cardiomyopathy 1G. Last evaluated: 2018-01-13. Review status: criteria provided, single submitter. Criteria: ICSL Variant Classification Criteria 13 December 2019. Collection method: clinical testing. Allele origin: germline.
Comment: the same text as in the submission from Illumina Laboratory Services, Illumina above.

Mayo Clinic Laboratories, Mayo Clinic
Classification: Benign. Last evaluated: 2017-08-24. Review status: criteria provided, single submitter. Criteria: ACMG Guidelines, 2015. Collection method: clinical testing. Allele origin: germline. Observed: 1,165 variant alleles.

Eurofins Ntd Llc (ga)
Classification: Benign. Last evaluated: 2014-12-15. Review status: criteria provided, single submitter. Criteria: EGL Classification Definitions 2015. Collection method: clinical testing. Allele origin: germline. Observed: 2 variant alleles, 1 heterozygote, 1 homozygote.

Genetic Services Laboratory, University of Chicago
Classification: Benign for AllHighlyPenetrant. Last evaluated: 2013-08-15. Review status: criteria provided, single submitter. Criteria: ACMG Guidelines, 2007. Collection method: clinical testing. Allele origin: germline.

Biesecker Lab/Clinical Genomics Section, National Institutes of Health
Classification: Benign. Last evaluated: 2013-06-24. Review status: criteria provided, single submitter. Criteria: Ng et al. (Circ Cardiovasc Genet. 2013). Collection method: research. Allele origin: unknown. Observed: 255 variant alleles. Study: ClinSeq.
Comment: The study set was not selected for affection status in relation to any cancer. Pathogenicity categories were based on literature curation. See Pubmed ID:23861362 for details.

Medical sequencing

Ambry Genetics
Classification: Benign for Cardiovascular phenotype. Last evaluated: 2013-01-16. Review status: criteria provided, single submitter. Criteria: Ambry Autosomal Dominant and X-Linked criteria (10/2015). Collection method: clinical testing. Allele origin: germline. Observed: 1 variant allele.

GeneDx
Classification: Benign. Last evaluated: 2012-10-31. Review status: criteria provided, single submitter. Criteria: GeneDx Variant Classification (06012015). Collection method: clinical testing. Allele origin: germline. Affected: yes.
Comment: This variant is considered likely benign or benign based on one or more of the following criteria: it is a conservative change, it occurs at a poorly conserved position in the protein, it is predicted to be benign by multiple in silico algorithms, and/or has population frequency not consistent with disease.

Laboratory for Molecular Medicine, Mass General Brigham Personalized Medicine
Classification: Benign. Last evaluated: 2011-09-27. Review status: criteria provided, single submitter. Criteria: LMM Criteria. Collection method: clinical testing. Allele origin: germline. Observed: 945 variant alleles.

Breakthrough Genomics
Classification: Likely benign. Review status: criteria provided, single submitter. Criteria: ACMG Guidelines, 2015. Collection method: not provided. Allele origin: germline. Inheritance: Autosomal recessive inheritance. Affected: yes.

PreventionGenetics, part of Exact Sciences
Classification: Benign. Review status: criteria provided, single submitter. Criteria: ACMG Guidelines, 2015. Collection method: clinical testing. Allele origin: germline.

Clinical Genetics, Academic Medical Center
Classification: Benign. Review status: no assertion criteria provided. Collection method: clinical testing. Allele origin: germline. Affected: yes. Study: VKGL Data-share Consensus. Not counted in ClinVar's aggregate classification.

Joint Genome Diagnostic Labs from Nijmegen and Maastricht, Radboudumc and MUMC+
Classification: Benign. Review status: no assertion criteria provided. Collection method: clinical testing. Allele origin: germline. Affected: yes. Study: VKGL Data-share Consensus. Not counted in ClinVar's aggregate classification.